The following is an entry in ClinVar:

ClinVar aggregate classification (germline): Pathogenic (1 of 4 stars; one submission).

Conditions:
Primary ciliary dyskinesia. Also called: Ciliary dyskinesia. Identifiers: Orphanet 244, MedGen C0008780, MONDO:0016575, HP:0012265.

Submission:

Labcorp Genetics (formerly Invitae), Labcorp
Classification: Pathogenic for Primary ciliary dyskinesia. Last evaluated: 2025-03-31. Review status: criteria provided, single submitter. Criteria: Invitae Variant Classification Sherloc (09022015). Collection method: clinical testing. Allele origin: germline.
Comment: This sequence change creates a premature translational stop signal (p.Ser152*) in the RPGR gene. It is expected to result in an absent or disrupted protein product. Loss-of-function variants in RPGR are known to be pathogenic (PMID: 16055928, 16969763). This variant is not present in population databases (gnomAD no frequency). This variant has not been reported in the literature in individuals affected with RPGR-related conditions. Algorithms developed to predict the effect of sequence changes on RNA splicing suggest that this variant may disrupt the consensus splice site. For these reasons, this variant has been classified as Pathogenic.

Literature cited by the submitters: PubMed 16055928; PubMed 16969763.

NM_001034853.2(RPGR):c.455del (p.Thr151_Ser152insTer)

Gene: RPGR (retinitis pigmentosa GTPase regulator; minus strand). Cytogenetic location: Xp11.4.
Variant type: Deletion.
Coding change: c.455del on transcript NM_001034853.2 (MANE Select); coding-DNA position 455, one base deleted (C; older notation c.455delC).
Protein change: p.Thr151_Ser152insTer.
Molecular consequence: nonsense. On other transcripts: non-coding transcript variant (6).
Genome position (GRCh38, 1-based): chrX:38,318,843, G deleted on the plus strand (C on the coding strand, the reverse complement: RPGR is on the minus strand). VCF-style (leftmost placement, unchanged base first): chrX-38318842-TG-T. GRCh37 (hg19) VCF-style: chrX-38178095-TG-T.
Other names: c.455del, p.Thr151_Ser152insTer (NM_000328.3, NM_001367245.1, NM_001367246.1 and 3 more transcripts); c.485del, p.Thr161_Ser162insTer (NM_001367248.1); c.452del, p.Thr150_Ser151insTer (NM_001367249.1).
Identifiers: ClinVar variation 3663977 (VCV003663977.2).